The following is an entry in ClinVar:

ClinVar aggregate classification (germline): Benign/Likely benign. Review status: criteria provided, multiple submitters, no conflicts (2 of 4 stars). 6 submissions from 6 submitters: Benign (2); Likely benign (1). 3 of the submissions do not count toward it. Last evaluated 2026-01-28.

Conditions:
NBAS-related disorder. Also called: NBAS-related condition.

Allele frequency attached by ClinVar (database versions not stated): gnomAD 0.00083 and 0.00098; ESP Exome Variant Server 0.00100; TOPMed 0.00102; 1000 Genomes Project 30x 0.00156; 1000 Genomes Project 0.00160; gnomAD exomes 0.00200; ExAC 0.00211.
gnomAD v4.1: 2,501 of 1,614,146 alleles (0.15%); highest among the groups gnomAD compares: Middle Eastern, 0.68%; 12 homozygotes.

Submissions (6):

Labcorp Genetics (formerly Invitae), Labcorp
Classification: Benign. Last evaluated: 2026-01-28. Review status: criteria provided, single submitter. Criteria: Invitae Variant Classification Sherloc (09022015). Collection method: clinical testing. Allele origin: germline.

PreventionGenetics, part of Exact Sciences
Classification: Benign for NBAS-related condition. Last evaluated: 2026-01-27. Review status: criteria provided, single submitter. Criteria: ACMG Guidelines, 2015. Collection method: clinical testing. Allele origin: germline.
Comment: This variant is classified as benign based on ACMG/AMP sequence variant interpretation guidelines (Richards et al. 2015 PMID: 25741868, with internal and published modifications).

CeGaT Center for Human Genetics Tuebingen
Classification: Likely benign. Last evaluated: 2025-09-01. Review status: criteria provided, single submitter. Criteria: CeGaT Center For Human Genetics Tuebingen Variant Classification Criteria Version 2. Collection method: clinical testing. Allele origin: germline. Affected: yes. Observed: 4 variant alleles.
Comment: NBAS: BP4, BP7

Clinical Genetics DNA and cytogenetics Diagnostics Lab, Erasmus MC, Erasmus Medical Center
Classification: Likely benign. Review status: no assertion criteria provided. Collection method: clinical testing. Allele origin: germline. Affected: yes. Study: VKGL Data-share Consensus. Not counted in ClinVar's aggregate classification.

Clinical Genetics, Academic Medical Center
Classification: Benign. Review status: no assertion criteria provided. Collection method: clinical testing. Allele origin: germline. Affected: yes. Study: VKGL Data-share Consensus. Not counted in ClinVar's aggregate classification.

Genome Diagnostics Laboratory, University Medical Center Utrecht
Classification: Likely benign. Review status: no assertion criteria provided. Collection method: clinical testing. Allele origin: germline. Affected: yes. Study: VKGL Data-share Consensus. Not counted in ClinVar's aggregate classification.

NM_015909.4(NBAS):c.5440T>C (p.Leu1814=)

Gene: NBAS (NBAS subunit of NRZ tethering complex; minus strand). Cytogenetic location: 2p24.3.
Variant type: single nucleotide variant.
Coding change: c.5440T>C on transcript NM_015909.4 (MANE Select); coding-DNA position 5440, T replaced by C.
Protein change: p.Leu1814=; no amino-acid change (leucine 1814 retained).
Molecular consequence: synonymous variant. On other transcripts: non-coding transcript variant (1).
Genome position (GRCh38, 1-based): chr2:15,275,768, A>G on the plus strand (T>C on the coding strand, the complement: NBAS is on the minus strand). VCF-style: chr2-15275768-A-G. GRCh37 (hg19) VCF-style: chr2-15415892-A-G.
Identifiers: ClinVar variation 723114 (VCV000723114.38), dbSNP rs141034921, ClinGen allele CA1535291.